The following is an entry in ClinVar:

ClinVar aggregate classification (germline): Uncertain significance (1 of 4 stars; one submission).

Submission:

Labcorp Genetics (formerly Invitae), Labcorp
Classification: Uncertain significance. Last evaluated: 2022-06-07. Review status: criteria provided, single submitter. Criteria: Invitae Variant Classification Sherloc (09022015). Collection method: clinical testing. Allele origin: germline.
Comment: In summary, the available evidence is currently insufficient to determine the role of this variant in disease. Therefore, it has been classified as a Variant of Uncertain Significance. This variant has not been reported in the literature in individuals affected with RASA2-related conditions. This variant is not present in population databases (gnomAD no frequency). This sequence change creates a premature translational stop signal (p.Gln172Asnfs*2) in the RASA2 gene. It is expected to result in an absent or disrupted protein product. However, the current clinical and genetic evidence is not sufficient to establish whether loss-of-function variants in RASA2 cause disease.

NM_006506.5(RASA2):c.472_512dup (p.Gln171_Gln172insAsnTer)

Gene: RASA2 (RAS p21 protein activator 2; plus strand). Cytogenetic location: 3q23.
Variant type: Duplication.
Coding change: c.472_512dup on transcript NM_006506.5 (MANE Select); coding-DNA positions 472 to 512, 41 bases duplicated.
Protein change: p.Gln171_Gln172insAsnTer.
Molecular consequence: nonsense, inframe insertion.
Genome position (GRCh38, 1-based): chr3:141,540,554-141,540,594, 41 bases duplicated; duplicating any 41 consecutive bases within chr3:141,540,553-141,540,594 gives the same sequence; the c. name uses the placement nearest the transcript's 3' end. GRCh37 (hg19): chr3:141,259,396-141,259,436.
Other names: c.472_512dup, p.Gln171_Gln172insAsnTer (NM_001303245.3, NM_001303246.3).
Identifiers: ClinVar variation 2002988 (VCV002002988.4), dbSNP rs2478570852, ClinGen allele CA2580068966.